The following is an entry in ClinVar:

NM_006904.7(PRKDC):c.3520G>T (p.Ala1174Ser)

Gene: PRKDC (protein kinase, DNA-activated, catalytic subunit; minus strand). Cytogenetic location: 8q11.21.
Variant type: single nucleotide variant.
Coding change: c.3520G>T on transcript NM_006904.7 (MANE Select); coding-DNA position 3520, G replaced by T.
Protein change: p.Ala1174Ser; replaces alanine 1174 with serine.
Molecular consequence: missense variant.
Genome position (GRCh38, 1-based): chr8:47,897,239, C>A on the plus strand (G>T on the coding strand, the complement: PRKDC is on the minus strand). VCF-style: chr8-47897239-C-A. GRCh37 (hg19) VCF-style: chr8-48809799-C-A.
Other names: c.3520G>T, p.Ala1174Ser (NM_001081640.2); short protein forms A1174S.
Identifiers: ClinVar variation 1732274 (VCV001732274.2), dbSNP rs769168104, ClinGen allele CA371153750.

ClinVar aggregate classification (germline): Uncertain significance (1 of 4 stars; one submission).

Submission:

Ambry Genetics
Classification: Uncertain significance. Last evaluated: 2021-12-10. Review status: criteria provided, single submitter. Criteria: Ambry Variant Classification Scheme 2023. Collection method: clinical testing. Allele origin: germline.
Comment: The p.A1174S variant (also known as c.3520G>T), located in coding exon 30 of the PRKDC gene, results from a G to T substitution at nucleotide position 3520. The alanine at codon 1174 is replaced by serine, an amino acid with similar properties. This amino acid position is conserved. In addition, this alteration is predicted to be tolerated by in silico analysis. Since supporting evidence is limited at this time, the clinical significance of this alteration remains unclear.